The following is an entry in ClinVar:

ClinVar aggregate classification (germline): Likely benign (1 of 4 stars; one submission).

Conditions:
COL18A1-related disorder. Also called: COL18A1-related condition; COL18A1-related disorders.

Submission:

PreventionGenetics, part of Exact Sciences
Classification: Likely benign for COL18A1-related condition. Last evaluated: 2020-03-24. Review status: criteria provided, single submitter. Criteria: ACMG Guidelines, 2015. Collection method: clinical testing. Allele origin: germline.
Comment: This variant is classified as likely benign based on ACMG/AMP sequence variant interpretation guidelines (Richards et al. 2015 PMID: 25741868, with internal and published modifications).

NM_001379500.1(COL18A1):c.2989_2997del (p.Ser997_Pro999del)

Genes: COL18A1 (collagen type XVIII alpha 1 chain; plus strand), SLC19A1 (solute carrier family 19 member 1; minus strand). Cytogenetic location: 21q22.3.
Variant type: Deletion.
Coding change: c.2989_2997del on transcript NM_001379500.1 (MANE Select); coding-DNA positions 2989 to 2997, 9 bases deleted (TCATTTCCT; older notation c.2989_2997delTCATTTCCT).
Protein change: p.Ser997_Pro999del.
Genome position (GRCh38, 1-based): chr21:45,505,254-45,505,262, TCATTTCCT deleted; deleting any 9 consecutive bases within chr21:45,505,251-45,505,262 gives the same sequence; the c. name uses the placement nearest the transcript's 3' end. VCF-style (leftmost placement, unchanged base first): chr21-45505250-CCCTTCATTT-C. GRCh37 (hg19) VCF-style: chr21-46925164-CCCTTCATTT-C.
Other names: c.3520_3528del, p.Ser1174_Pro1176del (NM_030582.4); c.4225_4233del, p.Ser1409_Pro1411del (NM_130444.3).
Identifiers: ClinVar variation 3060106 (VCV003060106.1), dbSNP rs2517792440, ClinGen allele CA2740094756.